The following is an entry in ClinVar:

NM_015021.3(ZNF292):c.1760A>C (p.His587Pro)

Gene: ZNF292 (zinc finger protein 292; plus strand). Cytogenetic location: 6q14.3.
Variant type: single nucleotide variant.
Coding change: c.1760A>C on transcript NM_015021.3 (MANE Select); coding-DNA position 1760, A replaced by C.
Protein change: p.His587Pro; replaces histidine 587 with proline.
Molecular consequence: missense variant.
Genome position (GRCh38, 1-based): chr6:87,255,389, A>C. VCF-style: chr6-87255389-A-C. GRCh37 (hg19) VCF-style: chr6-87965107-A-C.
Other names: c.1340A>C, p.His447Pro (NM_001351444.2); short protein forms H447P, H587P.
Identifiers: ClinVar variation 1315813 (VCV001315813.5), dbSNP rs2127858055, ClinGen allele CA364910382.

ClinVar aggregate classification (germline): Uncertain significance. Review status: criteria provided, multiple submitters, no conflicts (2 of 4 stars). 3 submissions from 3 submitters: Uncertain significance (3). Last evaluated 2024-10-16.

Conditions:
Intellectual developmental disorder, autosomal dominant 64. Also called: MENTAL RETARDATION, AUTOSOMAL DOMINANT 64. Identifiers: MedGen C5543067, MONDO:0030934, OMIM 619188.

Submissions (3):

Revvity Omics, Revvity
Classification: Uncertain significance for Intellectual developmental disorder, autosomal dominant 64. Last evaluated: 2024-10-16. Review status: criteria provided, single submitter. Criteria: ACMG Guidelines, 2015. Collection method: clinical testing. Allele origin: germline.

Blueprint Genetics
Classification: Uncertain significance. Last evaluated: 2024-05-06. Review status: criteria provided, single submitter. Criteria: ACMG Guidelines, 2015. Collection method: clinical testing. Allele origin: germline.

GeneDx
Classification: Uncertain significance. Last evaluated: 2022-10-19. Review status: criteria provided, single submitter. Criteria: GeneDx Variant Classification Process June 2021. Collection method: clinical testing. Allele origin: germline. Affected: yes.
Comment: Not observed in large population cohorts (gnomAD); In silico analysis supports that this missense variant has a deleterious effect on protein structure/function; Has not been previously published as pathogenic or benign to our knowledge